The following is an entry in ClinVar:

NM_004629.2(FANCG):c.1422T>C (p.Ser474=)

Gene: FANCG (FA complementation group G; minus strand). Cytogenetic location: 9p13.3.
Variant type: single nucleotide variant.
Coding change: c.1422T>C on transcript NM_004629.2 (MANE Select); coding-DNA position 1422, T replaced by C.
Protein change: p.Ser474=; no amino-acid change (serine 474 retained).
Molecular consequence: synonymous variant.
Genome position (GRCh38, 1-based): chr9:35,075,476, A>G on the plus strand (T>C on the coding strand, the complement: FANCG is on the minus strand). VCF-style: chr9-35075476-A-G. GRCh37 (hg19) VCF-style: chr9-35075473-A-G.
Other names: c.1422T>C (NM_004629.1).
Identifiers: ClinVar variation 1106217 (VCV001106217.12), dbSNP rs144369518, ClinGen allele CA5039756.

ClinVar aggregate classification (germline): Likely benign. Review status: criteria provided, multiple submitters, no conflicts (2 of 4 stars). 3 submissions from 3 submitters: Likely benign (2). 1 of the submissions does not count toward it. Last evaluated 2026-01-03.

Conditions:
FANCG-related disorder. Also called: FANCG-related condition.
Fanconi anemia (FA). Also called: Fanconi's anemia. Identifiers: Orphanet 84, MedGen C0015625, MeSH D005199, MONDO:0019391.
Inborn genetic diseases. Identifiers: MedGen C0950123, MeSH D030342.

Allele frequency attached by ClinVar (database versions not stated): gnomAD exomes below 0.00001 and 0.00002; gnomAD 0.00001 and 0.00002; ExAC 0.00002; TOPMed 0.00003; 1000 Genomes Project 30x 0.00016; 1000 Genomes Project 0.00020; ESP Exome Variant Server 0.00023.
gnomAD v4.1: 8 of 1,613,948 alleles (0.0005%); highest among the groups gnomAD compares: African/African-American, 0.0093%; no homozygotes.

Submissions (3):

Labcorp Genetics (formerly Invitae), Labcorp
Classification: Likely benign for Fanconi anemia. Last evaluated: 2026-01-03. Review status: criteria provided, single submitter. Criteria: Invitae Variant Classification Sherloc (09022015). Collection method: clinical testing. Allele origin: germline.

Ambry Genetics
Classification: Likely benign for Inborn genetic diseases. Last evaluated: 2025-01-01. Review status: criteria provided, single submitter. Criteria: Ambry Variant Classification Scheme 2023. Collection method: clinical testing. Allele origin: germline.

PreventionGenetics, part of Exact Sciences
Classification: Likely benign for FANCG-related condition. Last evaluated: 2020-03-25. Review status: no assertion criteria provided. Collection method: clinical testing. Allele origin: germline. Not counted in ClinVar's aggregate classification.
Comment: This variant is classified as likely benign based on ACMG/AMP sequence variant interpretation guidelines (Richards et al. 2015 PMID: 25741868, with internal and published modifications).